The following is an entry in ClinVar:

ClinVar aggregate classification (germline): Conflicting classifications of pathogenicity. Review status: criteria provided, conflicting classifications (1 of 4 stars). 2 submissions from 2 submitters: Uncertain significance (1); Likely benign (1). Last evaluated 2023-12-01.

Allele frequency attached by ClinVar (database versions not stated): gnomAD exomes below 0.00001.
gnomAD v4.1: 2 of 1,613,332 alleles (0.00012%); highest among the groups gnomAD compares: Non-Finnish European, 0.00017%; no homozygotes.

Submissions (2):

CeGaT Center for Human Genetics Tuebingen
Classification: Likely benign. Last evaluated: 2023-12-01. Review status: criteria provided, single submitter. Criteria: CeGaT Center For Human Genetics Tuebingen Variant Classification Criteria Version 2. Collection method: clinical testing. Allele origin: germline. Affected: yes. Observed: 1 variant allele.
Comment: NOTCH3: BP4

Athena Diagnostics
Classification: Uncertain significance. Last evaluated: 2020-03-09. Review status: criteria provided, single submitter. Criteria: Athena Diagnostics Criteria. Collection method: clinical testing. Allele origin: unknown.

NM_000435.3(NOTCH3):c.6850A>T (p.Thr2284Ser)

Gene: NOTCH3 (notch receptor 3; minus strand). Cytogenetic location: 19p13.12.
Variant type: single nucleotide variant.
Coding change: c.6850A>T on transcript NM_000435.3 (MANE Select); coding-DNA position 6850, A replaced by T.
Protein change: p.Thr2284Ser; replaces threonine 2284 with serine.
Molecular consequence: missense variant.
Genome position (GRCh38, 1-based): chr19:15,160,778, T>A on the plus strand (A>T on the coding strand, the complement: NOTCH3 is on the minus strand). VCF-style: chr19-15160778-T-A. GRCh37 (hg19) VCF-style: chr19-15271589-T-A.
Other names: short protein forms T2284S.
Identifiers: ClinVar variation 994846 (VCV000994846.23), dbSNP rs1177268940, ClinGen allele CA404485961.